The following is an entry in ClinVar:

ClinVar aggregate classification (germline): Uncertain significance. Review status: criteria provided, multiple submitters, no conflicts (2 of 4 stars). 4 submissions from 4 submitters: Uncertain significance (4). Last evaluated 2025-11-17.

Conditions:
Occipital pachygyria and polymicrogyria. Identifiers: Orphanet 280640, MedGen C3279875, MONDO:0013583, OMIM 614115.

Allele frequency attached by ClinVar (database versions not stated): gnomAD 0.00013 and 0.00014; gnomAD exomes 0.00015; TOPMed 0.00015; ExAC 0.00019; ESP Exome Variant Server 0.00023.
gnomAD v4.1: 209 of 1,610,494 alleles (0.013%); highest among the groups gnomAD compares: Middle Eastern, 0.016%; no homozygotes.

Submissions (4):

Labcorp Genetics (formerly Invitae), Labcorp
Classification: Uncertain significance. Last evaluated: 2025-11-17. Review status: criteria provided, single submitter. Criteria: Invitae Variant Classification Sherloc (09022015). Collection method: clinical testing. Allele origin: germline.
Comment: This sequence change replaces threonine, which is neutral and polar, with methionine, which is neutral and non-polar, at codon 406 of the LAMC3 protein (p.Thr406Met). This variant is present in population databases (rs374994541, gnomAD 0.02%). This variant has not been reported in the literature in individuals affected with LAMC3-related conditions. ClinVar contains an entry for this variant (Variation ID: 1486303). An algorithm developed to predict the effect of missense changes on protein structure and function (PolyPhen-2) suggests that this variant is likely to be disruptive. In summary, the available evidence is currently insufficient to determine the role of this variant in disease. Therefore, it has been classified as a Variant of Uncertain Significance.

Fulgent Genetics
Classification: Uncertain significance for Occipital pachygyria and polymicrogyria. Last evaluated: 2022-04-04. Review status: criteria provided, single submitter. Criteria: ACMG Guidelines, 2015. Collection method: clinical testing. Allele origin: unknown.

Revvity Omics, Revvity
Classification: Uncertain significance for Occipital pachygyria and polymicrogyria. Last evaluated: 2019-09-16. Review status: criteria provided, single submitter. Criteria: ACMG Guidelines, 2015. Collection method: clinical testing. Allele origin: germline.

GeneDx
Classification: Uncertain significance. Last evaluated: 2016-06-22. Review status: criteria provided, single submitter. Criteria: GeneDx Variant Classification Process June 2021. Collection method: clinical testing. Allele origin: germline. Affected: yes.
Comment: In silico analysis indicates that this missense variant does not alter protein structure/function; Has not been previously published as pathogenic or benign to our knowledge

NM_006059.4(LAMC3):c.1217C>T (p.Thr406Met)

Gene: LAMC3 (laminin subunit gamma 3; plus strand). Cytogenetic location: 9q34.12.
Variant type: single nucleotide variant.
Coding change: c.1217C>T on transcript NM_006059.4 (MANE Select); coding-DNA position 1217, C replaced by T.
Protein change: p.Thr406Met; replaces threonine 406 with methionine.
Molecular consequence: missense variant.
Genome position (GRCh38, 1-based): chr9:131,039,182, C>T. VCF-style: chr9-131039182-C-T. GRCh37 (hg19) VCF-style: chr9-133914569-C-T.
Other names: c.1217C>T (NM_006059.3); short protein forms T406M.
Identifiers: ClinVar variation 1486303 (VCV001486303.10), dbSNP rs374994541, ClinGen allele CA5286994.